The following is an entry in ClinVar:

ClinVar aggregate classification (germline): Uncertain significance. Review status: criteria provided, multiple submitters, no conflicts (2 of 4 stars). 2 submissions from 2 submitters: Uncertain significance (2). Last evaluated 2023-05-04.

Conditions:
Lynch syndrome. Identifiers: Orphanet 144, MedGen C4552100, MONDO:0005835. Disease mechanism: loss of function.
Hereditary cancer-predisposing syndrome. Also called: Neoplastic Syndromes, Hereditary; Tumor predisposition; Hereditary Cancer Syndrome; Hereditary neoplastic syndrome. Identifiers: Orphanet 140162, MedGen C0027672, MeSH D009386, MONDO:0015356.

Submissions (2):

All of Us Research Program, National Institutes of Health
Classification: Uncertain significance for Lynch syndrome. Last evaluated: 2023-05-04. Review status: criteria provided, single submitter. Criteria: ACMG Guidelines, 2015. Collection method: clinical testing. Allele origin: germline. Inheritance: Autosomal dominant inheritance. Observed: 1 variant allele, 1 heterozygote.
Comment: This missense variant replaces proline with glutamine at codon 442 of the PMS2 protein. Computational prediction tools and conservation analyses suggest that this variant may not impact protein structure and function. Splice site prediction tools suggest that this variant may not impact RNA splicing. To our knowledge, functional studies have not been performed for this variant. This variant has not been reported in individuals affected with hereditary cancer in the literature. This variant has not been identified in the general population by the Genome Aggregation Database (gnomAD). The available evidence is insufficient to determine the role of this variant in disease conclusively. Therefore, this variant is classified as a Variant of Uncertain Significance.

This study involves interpretation of variants in research participants for the purpose of population health screening. Participant phenotype was not available at the time of variant classification. Additional details can be found in publication PMID: 35346344, PMCID: PMC8962531

Color Diagnostics, LLC DBA Color Health
Classification: Uncertain significance for Hereditary cancer-predisposing syndrome. Last evaluated: 2023-04-20. Review status: criteria provided, single submitter. Criteria: ACMG Guidelines, 2015. Collection method: clinical testing. Allele origin: germline.
Comment: This missense variant replaces proline with glutamine at codon 442 of the PMS2 protein. Computational prediction suggests that this variant may not impact protein structure and function (internally defined REVEL score threshold <= 0.5, PMID: 27666373). To our knowledge, functional studies have not been reported for this variant. This variant has not been reported in individuals affected with PMS2-related disorders in the literature. This variant has not been identified in the general population by the Genome Aggregation Database (gnomAD). The available evidence is insufficient to determine the role of this variant in disease conclusively. Therefore, this variant is classified as a Variant of Uncertain Significance.

NM_000535.7(PMS2):c.1325C>A (p.Pro442Gln)

Gene: PMS2 (PMS1 homolog 2, mismatch repair system component; minus strand). Cytogenetic location: 7p22.1.
Variant type: single nucleotide variant.
Coding change: c.1325C>A on transcript NM_000535.7 (MANE Select); coding-DNA position 1325, C replaced by A.
Protein change: p.Pro442Gln; replaces proline 442 with glutamine.
Molecular consequence: missense variant. On other transcripts: non-coding transcript variant (1).
Genome position (GRCh38, 1-based): chr7:5,987,440, G>T on the plus strand (C>A on the coding strand, the complement: PMS2 is on the minus strand). VCF-style: chr7-5987440-G-T. GRCh37 (hg19) VCF-style: chr7-6027071-G-T.
Other names: c.920C>A, p.Pro307Gln (NM_001322003.2, NM_001322004.2, NM_001322005.2 and 1 more transcripts); c.1169C>A, p.Pro390Gln (NM_001322006.2); c.1007C>A, p.Pro336Gln (NM_001322007.2, NM_001322008.2); c.764C>A, p.Pro255Gln (NM_001322010.2); c.392C>A, p.Pro131Gln (NM_001322011.2, NM_001322012.2); c.752C>A, p.Pro251Gln (NM_001322013.2); c.1325C>A, p.Pro442Gln (NM_001322014.2); c.1016C>A, p.Pro339Gln (NM_001322015.2); short protein forms P251Q, P336Q, P339Q, P131Q, P442Q, P307Q, P255Q, P390Q.
Identifiers: ClinVar variation 920303 (VCV000920303.6), dbSNP rs1783133970, ClinGen allele CA366742331.